The following is an entry in ClinVar:

NM_018075.5(ANO10):c.337+1G>A

Gene: ANO10 (anoctamin 10; minus strand). Cytogenetic location: 3p21.33.
Variant type: single nucleotide variant.
Coding change: c.337+1G>A on transcript NM_018075.5 (MANE Select); the canonical splice donor site of the intron after coding-DNA position 337, G replaced by A.
Molecular consequence: splice donor variant. On other transcripts: intron variant (4).
Genome position (GRCh38, 1-based): chr3:43,600,383, C>T on the plus strand (G>A on the coding strand, the complement: ANO10 is on the minus strand). VCF-style: chr3-43600383-C-T. GRCh37 (hg19) VCF-style: chr3-43641875-C-T.
Other names: c.337+1G>A (NM_001346463.2, NM_001346464.2, NM_001346467.2 and 5 more transcripts); c.140-1717G>A (NM_001346466.2, NM_001346469.2, NM_001204832.3); c.139+5331G>A (NM_001204833.3).
Identifiers: ClinVar variation 210186 (VCV000210186.43), dbSNP rs765592794, ClinGen allele CA207303.

ClinVar aggregate classification (germline): Conflicting classifications of pathogenicity. Review status: criteria provided, conflicting classifications (1 of 4 stars). 7 submissions from 7 submitters: Pathogenic (3); Likely pathogenic (3); Uncertain significance (1). Last evaluated 2025-07-18.

Conditions:
ANO10-related disorder. Also called: ANO10-related condition.
Autosomal recessive spinocerebellar ataxia 10. Identifiers: Orphanet 284289, MedGen C3150998, MONDO:0013392, OMIM 613728.

Allele frequency attached by ClinVar (database versions not stated): gnomAD 0.00003; TOPMed 0.00003; gnomAD exomes 0.00005 and 0.00006; ExAC 0.00006.
gnomAD v4.1: 83 of 1,613,780 alleles (0.0051%); highest among the groups gnomAD compares: Non-Finnish European, 0.0066%; no homozygotes.

Submissions (8):

Athena Diagnostics
Classification: Uncertain significance. Last evaluated: 2025-07-18. Review status: criteria provided, single submitter. Criteria: Athena Diagnostics Criteria. Collection method: clinical testing. Allele origin: unknown.
Comment: Available data are insufficient to determine the clinical significance of the variant at this time. The frequency of this variant in the general population is uninformative in assessment of its pathogenicity. This variant is expected to maintain the transcript reading frame. However, it disrupts a substantial portion of the protein, and therefore, is expected to disrupt its function. This variant has been identified in at least one individual with clinical features associated with this gene.

PreventionGenetics, part of Exact Sciences
Classification: Likely pathogenic for ANO10-related condition. Last evaluated: 2024-11-29. Review status: criteria provided, single submitter. Criteria: ACMG Guidelines, 2015. Collection method: clinical testing. Allele origin: germline.
Comment: The ANO10 c.337+1G>A variant is predicted to disrupt the GT donor site and interfere with normal splicing. This variant has been reported in the compound heterozygous state in an individual with cerebellar ataxia 3/spinocerebellar ataxia 10 (Nanetti et al. 2019. PubMed ID: 30515630). This variant is reported in 0.0087% of alleles in individuals of Latino descent in gnomAD. Variants that disrupt the consensus splice donor site in ANO10 are expected to be pathogenic. This variant is interpreted as likely pathogenic.

Fulgent Genetics
Classification: Likely pathogenic for Autosomal recessive spinocerebellar ataxia 10. Last evaluated: 2024-03-07. Review status: criteria provided, single submitter. Criteria: ACMG Guidelines, 2015. Collection method: clinical testing. Allele origin: germline.

Labcorp Genetics (formerly Invitae), Labcorp
Classification: Likely pathogenic. Last evaluated: 2023-12-19. Review status: criteria provided, single submitter. Criteria: Invitae Variant Classification Sherloc (09022015). Collection method: clinical testing. Allele origin: germline.
Comment: This sequence change affects a donor splice site in intron 3 of the ANO10 gene. It is expected to disrupt RNA splicing. Variants that disrupt the donor or acceptor splice site typically lead to a loss of protein function (PMID: 16199547), and loss-of-function variants in ANO10 are known to be pathogenic (PMID: 25089919). This variant is present in population databases (rs765592794, gnomAD 0.008%). Disruption of this splice site has been observed in individual(s) with spinocerebellar ataxia (PMID: 30515630). ClinVar contains an entry for this variant (Variation ID: 210186). Algorithms developed to predict the effect of sequence changes on RNA splicing suggest that this variant may disrupt the consensus splice site. In summary, the currently available evidence indicates that the variant is pathogenic, but additional data are needed to prove that conclusively. Therefore, this variant has been classified as Likely Pathogenic.

Department of Pathology and Laboratory Medicine, Sinai Health System
Classification: Pathogenic for Autosomal recessive spinocerebellar ataxia 10. Last evaluated: 2023-09-27. Review status: criteria provided, single submitter. Criteria: ACMG Guidelines, 2015. Collection method: research. Allele origin: germline.

CeGaT Center for Human Genetics Tuebingen
Classification: Pathogenic. Last evaluated: 2023-03-01. Review status: criteria provided, single submitter. Criteria: CeGaT Center For Human Genetics Tuebingen Variant Classification Criteria Version 2. Collection method: clinical testing. Allele origin: germline. Affected: yes. Observed: 1 variant allele.
Comment: ANO10: PVS1, PM2

Genetic Services Laboratory, University of Chicago
Classification: Pathogenic for Spinocerebellar ataxia, autosomal recessive 10. Last evaluated: 2014-06-27. Review status: criteria provided, single submitter. Criteria: ACMG Guidelines, 2015. Collection method: clinical testing. Allele origin: germline. Affected: yes.

Dr. Peter K. Rogan Lab, Western University
No classification provided (evidence only). Condition: Uterine corpus endometrial carcinoma. Review status: no classification provided. Collection method: in vitro. Allele origin: not applicable. Functional consequence: skipped exon. Not counted in ClinVar's aggregate classification.

Literature cited by the submitters: PubMed 38459613 (cited by Athena Diagnostics); PubMed 38361118 (cited by Athena Diagnostics); PubMed 30515630 (cited by Athena Diagnostics and Labcorp Genetics (formerly Invitae), Labcorp); PubMed 16199547 (cited by Labcorp Genetics (formerly Invitae), Labcorp); PubMed 25089919 (cited by Labcorp Genetics (formerly Invitae), Labcorp).